The following is an entry in ClinVar:

ClinVar aggregate classification (germline): Pathogenic (1 of 4 stars; one submission).

Submission:

Labcorp Genetics (formerly Invitae), Labcorp
Classification: Pathogenic. Last evaluated: 2024-07-03. Review status: criteria provided, single submitter. Criteria: Invitae Variant Classification Sherloc (09022015). Collection method: clinical testing. Allele origin: germline.
Comment: This sequence change creates a premature translational stop signal (p.Tyr521Metfs*19) in the ACAN gene. It is expected to result in an absent or disrupted protein product. Loss-of-function variants in ACAN are known to be pathogenic (PMID: 16080123, 24762113). This variant is not present in population databases (gnomAD no frequency). This variant has not been reported in the literature in individuals affected with ACAN-related conditions. For these reasons, this variant has been classified as Pathogenic.

Literature cited by the submitters: PubMed 16080123; PubMed 24762113.

NM_001369268.1(ACAN):c.1561del (p.Tyr521fs)

Gene: ACAN (aggrecan; plus strand). Cytogenetic location: 15q26.1.
Variant type: Deletion.
Coding change: c.1561del on transcript NM_001369268.1 (MANE Select); coding-DNA position 1561, one base deleted (T; older notation c.1561delT).
Protein change: p.Tyr521fs; shifts the reading frame from tyrosine 521.
Molecular consequence: frameshift variant.
Genome position (GRCh38, 1-based): chr15:88,847,374, T deleted. VCF-style (leftmost placement, unchanged base first): chr15-88847373-CT-C. GRCh37 (hg19) VCF-style: chr15-89390604-CT-C.
Other names: c.1561del, p.Tyr521fs (NM_001135.4, NM_001411096.1, NM_001411097.1 and 1 more transcripts); short protein forms Y521fs.
Identifiers: ClinVar variation 3647888 (VCV003647888.2).